The following is an entry in ClinVar:

ClinVar aggregate classification (germline): Likely benign. Review status: criteria provided, multiple submitters, no conflicts (2 of 4 stars). 3 submissions from 3 submitters: Likely benign (2). 1 of the submissions does not count toward it. Last evaluated 2025-03-03.

Conditions:
Combined immunodeficiency due to OX40 deficiency. Also called: OX40 DEFICIENCY; Immunodeficiency 16. Identifiers: Orphanet 431149, MedGen C3810053, MONDO:0014268, OMIM 615593.
TNFRSF4-related disorder. Also called: TNFRSF4-related condition.

gnomAD v4.1: 7 of 1,559,808 alleles (0.00045%); highest among the groups gnomAD compares: South Asian, 0.0023%; no homozygotes.

Submissions (3):

Labcorp Genetics (formerly Invitae), Labcorp
Classification: Likely benign for Combined immunodeficiency due to OX40 deficiency. Last evaluated: 2025-03-03. Review status: criteria provided, single submitter. Criteria: Invitae Variant Classification Sherloc (09022015). Collection method: clinical testing. Allele origin: germline.

Blueprint Genetics
Classification: Likely benign. Last evaluated: 2023-08-18. Review status: criteria provided, single submitter. Criteria: ACMG Guidelines, 2015. Collection method: clinical testing. Allele origin: germline.

PreventionGenetics, part of Exact Sciences
Classification: Likely benign for TNFRSF4-related condition. Last evaluated: 2019-06-17. Review status: no assertion criteria provided. Collection method: clinical testing. Allele origin: germline. Not counted in ClinVar's aggregate classification.
Comment: This variant is classified as likely benign based on ACMG/AMP sequence variant interpretation guidelines (Richards et al. 2015 PMID: 25741868, with internal and published modifications).

NM_003327.4(TNFRSF4):c.687C>A (p.Gly229=)

Gene: TNFRSF4 (TNF receptor superfamily member 4; minus strand). Cytogenetic location: 1p36.33.
Variant type: single nucleotide variant.
Coding change: c.687C>A on transcript NM_003327.4 (MANE Select); coding-DNA position 687, C replaced by A.
Protein change: p.Gly229=; no amino-acid change (glycine 229 retained).
Molecular consequence: synonymous variant.
Genome position (GRCh38, 1-based): chr1:1,211,780, G>T on the plus strand (C>A on the coding strand, the complement: TNFRSF4 is on the minus strand). VCF-style: chr1-1211780-G-T. GRCh37 (hg19) VCF-style: chr1-1147160-G-T.
Other names: c.687C>A (NM_003327.3).
Identifiers: ClinVar variation 1585394 (VCV001585394.11), dbSNP rs879206506, ClinGen allele CA16729595.
Genomic context (GRCh38, chr1:1,211,780, plus strand): 5'-ATCGGGGGGCAGCCTCTGGTCCCTCCGGAGCAGGTACAGGGCCAGCAGGATGGCCAGGGG[G>T]CCCAGCAGCCCCAGCACCAGGCCCAGGCCCAGGATGGCGGCAACCGCACGGCCTGCAGGA-3'
Protein context (NP_003318.1, residues 219-239): LGLGLVLGLL[Gly229=]PLAILLALYL